The following is an entry in ClinVar:

ClinVar aggregate classification (germline): Uncertain significance (1 of 4 stars; one submission).

Conditions:
Gorlin syndrome. Also called: Basal cell nevus syndrome; Nevoid Basal Cell Carcinoma Syndrome. Identifiers: Orphanet 377, MedGen C0004779, MONDO:0007187.

Submission:

Labcorp Genetics (formerly Invitae), Labcorp
Classification: Uncertain significance for Gorlin syndrome. Last evaluated: 2022-10-04. Review status: criteria provided, single submitter. Criteria: Invitae Variant Classification Sherloc (09022015). Collection method: clinical testing. Allele origin: germline.
Comment: This variant is not present in population databases (gnomAD no frequency). This sequence change replaces tyrosine, which is neutral and polar, with cysteine, which is neutral and slightly polar, at codon 142 of the PTCH1 protein (p.Tyr142Cys). This variant has not been reported in the literature in individuals affected with PTCH1-related conditions. Advanced modeling of protein sequence and biophysical properties (such as structural, functional, and spatial information, amino acid conservation, physicochemical variation, residue mobility, and thermodynamic stability) performed at Invitae indicates that this missense variant is expected to disrupt PTCH1 protein function. In summary, the available evidence is currently insufficient to determine the role of this variant in disease. Therefore, it has been classified as a Variant of Uncertain Significance.

NM_000264.5(PTCH1):c.425A>G (p.Tyr142Cys)

Gene: PTCH1 (patched 1; minus strand). Cytogenetic location: 9q22.32.
Variant type: single nucleotide variant.
Coding change: c.425A>G on transcript NM_000264.5 (MANE Select); coding-DNA position 425, A replaced by G.
Protein change: p.Tyr142Cys; replaces tyrosine 142 with cysteine.
Molecular consequence: missense variant. On other transcripts: 5 prime UTR variant (4), non-coding transcript variant (1).
Genome position (GRCh38, 1-based): chr9:95,485,844, T>C on the plus strand (A>G on the coding strand, the complement: PTCH1 is on the minus strand). VCF-style: chr9-95485844-T-C. GRCh37 (hg19) VCF-style: chr9-98248126-T-C.
Other names: c.227A>G, p.Tyr76Cys (NM_001083602.3, NM_001354919.2); c.422A>G, p.Tyr141Cys (NM_001083603.3); c.-29A>G (NM_001083604.3, NM_001083605.3, NM_001083606.3 and 1 more transcripts); c.425A>G, p.Tyr142Cys (NM_001354918.2); short protein forms Y141C, Y76C, Y142C.
Identifiers: ClinVar variation 2167631 (VCV002167631.4), dbSNP rs2118549412, ClinGen allele CA374117240.